The following is an entry in ClinVar:

ClinVar aggregate classification (germline): Likely benign. Review status: criteria provided, multiple submitters, no conflicts (2 of 4 stars). 2 submissions from 2 submitters: Likely benign (2). Last evaluated 2025-01-26.

Conditions:
Emery-Dreifuss muscular dystrophy 4, autosomal dominant (EDMD4). Also called: EMERY-DREIFUSS MUSCULAR DYSTROPHY 4 WITH VARIABLE FEATURES. Identifiers: Orphanet 261, MedGen C2751807, MONDO:0013071, OMIM 612998.
Autosomal recessive ataxia, Beauce type. Also called: Spinocerebellar ataxia, autosomal recessive 8; ATAXIA, RECESSIVE, OF BEAUCE; SYNE1-Related Autosomal Recessive Cerebellar Ataxia; SYNE1 Deficiency. Identifiers: Orphanet 88644, MedGen C1853116, MONDO:0012549, OMIM 610743.

Allele frequency attached by ClinVar (database versions not stated): ExAC 0.00002; gnomAD exomes 0.00004; TOPMed 0.00004.
gnomAD v4.1: 54 of 1,614,134 alleles (0.0033%); highest among the groups gnomAD compares: Non-Finnish European, 0.0042%; no homozygotes.

Submissions (2):

Labcorp Genetics (formerly Invitae), Labcorp
Classification: Likely benign for Emery-Dreifuss muscular dystrophy 4, autosomal dominant; Autosomal recessive ataxia, Beauce type. Last evaluated: 2025-01-26. Review status: criteria provided, single submitter. Criteria: Invitae Variant Classification Sherloc (09022015). Collection method: clinical testing. Allele origin: germline.

CeGaT Center for Human Genetics Tuebingen
Classification: Likely benign. Last evaluated: 2022-03-01. Review status: criteria provided, single submitter. Criteria: CeGaT Center For Human Genetics Tuebingen Variant Classification Criteria Version 2. Collection method: clinical testing. Allele origin: germline. Affected: yes. Observed: 1 variant allele.
Comment: SYNE1: BP4, BP7

NM_182961.4(SYNE1):c.23865C>T (p.His7955=)

Gene: SYNE1 (spectrin repeat containing nuclear envelope protein 1; minus strand). Cytogenetic location: 6q25.2.
Variant type: single nucleotide variant.
Coding change: c.23865C>T on transcript NM_182961.4 (MANE Select); coding-DNA position 23865, C replaced by T.
Protein change: p.His7955=; no amino-acid change (histidine 7955 retained).
Molecular consequence: synonymous variant.
Genome position (GRCh38, 1-based): chr6:152,156,023, G>A on the plus strand (C>T on the coding strand, the complement: SYNE1 is on the minus strand). VCF-style: chr6-152156023-G-A. GRCh37 (hg19) VCF-style: chr6-152477158-G-A.
Other names: c.471C>T, p.His157= (NM_001347701.2); c.330C>T, p.His110= (NM_001347702.2); c.23652C>T, p.His7884= (NM_033071.5).
Identifiers: ClinVar variation 2657002 (VCV002657002.26), dbSNP rs748100457, ClinGen allele CA4053335.